The following is an entry in ClinVar:

ClinVar aggregate classification (germline): Uncertain significance. Review status: criteria provided, multiple submitters, no conflicts (2 of 4 stars). 2 submissions from 2 submitters: Uncertain significance (2). Last evaluated 2025-10-29.

Conditions:
Inborn genetic diseases. Identifiers: MedGen C0950123, MeSH D030342.
Baller-Gerold syndrome (BGS). Also called: CRANIOSYNOSTOSIS WITH RADIAL DEFECTS. Identifiers: Orphanet 1225, MedGen C0265308, MONDO:0009039, OMIM 218600.

gnomAD v4.1: 1 of 1,565,282 alleles (0.000064%); highest among the groups gnomAD compares: Non-Finnish European, 0.000087%; no homozygotes.

Submissions (2):

Ambry Genetics
Classification: Uncertain significance for Inborn genetic diseases. Last evaluated: 2025-10-29. Review status: criteria provided, single submitter. Criteria: Ambry Variant Classification Scheme 2023. Collection method: clinical testing. Allele origin: germline.
Comment: The p.P669L variant (also known as c.2006C>T), located in coding exon 12 of the RECQL4 gene, results from a C to T substitution at nucleotide position 2006. The proline at codon 669 is replaced by leucine, an amino acid with similar properties. This amino acid position is conserved. In addition, this alteration is predicted to be tolerated by in silico analysis. Based on the available evidence, the clinical significance of this variant remains unclear.

Labcorp Genetics (formerly Invitae), Labcorp
Classification: Uncertain significance for Baller-Gerold syndrome. Last evaluated: 2024-09-10. Review status: criteria provided, single submitter. Criteria: Invitae Variant Classification Sherloc (09022015). Collection method: clinical testing. Allele origin: germline.
Comment: This sequence change replaces proline, which is neutral and non-polar, with leucine, which is neutral and non-polar, at codon 669 of the RECQL4 protein (p.Pro669Leu). This variant is not present in population databases (gnomAD no frequency). This variant has not been reported in the literature in individuals affected with RECQL4-related conditions. Invitae Evidence Modeling of protein sequence and biophysical properties (such as structural, functional, and spatial information, amino acid conservation, physicochemical variation, residue mobility, and thermodynamic stability) indicates that this missense variant is not expected to disrupt RECQL4 protein function with a negative predictive value of 80%. In summary, the available evidence is currently insufficient to determine the role of this variant in disease. Therefore, it has been classified as a Variant of Uncertain Significance.

NM_004260.4(RECQL4):c.2006C>T (p.Pro669Leu)

Gene: RECQL4 (RecQ like helicase 4; minus strand). Cytogenetic location: 8q24.3.
Variant type: single nucleotide variant.
Coding change: c.2006C>T on transcript NM_004260.4 (MANE Select); coding-DNA position 2006, C replaced by T.
Protein change: p.Pro669Leu; replaces proline 669 with leucine.
Molecular consequence: missense variant. On other transcripts: non-coding transcript variant (3).
Genome position (GRCh38, 1-based): chr8:144,513,980, G>A on the plus strand (C>T on the coding strand, the complement: RECQL4 is on the minus strand). VCF-style: chr8-144513980-G-A. GRCh37 (hg19) VCF-style: chr8-145739364-G-A.
Other names: c.1910C>T, p.Pro637Leu (NM_001413017.1, NM_001413020.1); c.2006C>T, p.Pro669Leu (NM_001413018.1, NM_001413019.1, NM_001413036.1); c.935C>T, p.Pro312Leu (NM_001413021.1, NM_001413022.1, NM_001413023.1 and 6 more transcripts); c.1877C>T, p.Pro626Leu (NM_001413025.1); c.869C>T, p.Pro290Leu (NM_001413027.1, NM_001413030.1, NM_001413032.1 and 1 more transcripts); c.1655C>T, p.Pro552Leu (NM_001413029.1); c.737C>T, p.Pro246Leu (NM_001413031.1); c.1874C>T, p.Pro625Leu (NM_001413033.1); and 5 more; short protein forms P180L, P246L, P268L, P290L, P302L, P312L, P552L, P625L.
Identifiers: ClinVar variation 3621934 (VCV003621934.3).